The following is an entry in ClinVar:

ClinVar aggregate classification (germline): Likely pathogenic (1 of 4 stars; one submission).

Conditions:
Sandhoff disease. Also called: GM2-GANGLIOSIDOSIS, TYPE II; HEXOSAMINIDASES A AND B DEFICIENCY; Beta-hexosaminidase-beta-subunit deficiency; GM2 gangliosidosis, type 2; Total hexosaminidase deficiency; Sandhoff-Jatzkewitz-Pilz disease. Identifiers: Orphanet 796, MedGen C0036161, MONDO:0010006, OMIM 268800.

Submission:

Natera, Inc.
Classification: Likely pathogenic for Sandhoff disease. Last evaluated: 2025-07-24. Review status: criteria provided, single submitter. Criteria: Natera Variant Classification Schema (03/2026). Collection method: clinical testing. Allele origin: germline.
Comment: The c.1578_1579insA variant in HEXB is a frameshift variant predicted to shift the reading frame beginning at codon 527 and leads to a stop codon 26 codons downstream. This variant is expected to result in nonsense mediated decay, truncation, or a dysfunctional protein product. This variant is rare in the general population with a frequency below the threshold expected for the associated phenotype(s). Given the available evidence, this variant is classified as Likely Pathogenic.

NM_000521.4(HEXB):c.1578_1579insA (p.Asp527fs)

Gene: HEXB (hexosaminidase subunit beta; plus strand). Cytogenetic location: 5q13.3.
Variant type: Insertion.
Coding change: c.1578_1579insA on transcript NM_000521.4 (MANE Select); coding-DNA positions 1578 to 1579, A inserted.
Protein change: p.Asp527fs; shifts the reading frame from aspartic acid 527.
Molecular consequence: frameshift variant.
Genome position: GRCh38 VCF-style: chr5-74720712-T-TA. GRCh37 (hg19) VCF-style: chr5-74016537-T-TA.
Other names: c.903_904insA, p.Asp302fs (NM_001292004.2); short protein forms D302fs, D527fs.
Identifiers: ClinVar variation 4814286 (VCV004814286.1).